The following is an entry in ClinVar:

ClinVar aggregate classification (germline): Pathogenic (1 of 4 stars; one submission).

Submission:

Labcorp Genetics (formerly Invitae), Labcorp
Classification: Pathogenic. Last evaluated: 2025-05-26. Review status: criteria provided, single submitter. Criteria: Invitae Variant Classification Sherloc (09022015). Collection method: clinical testing. Allele origin: germline.
Comment: This sequence change creates a premature translational stop signal (p.Pro224Hisfs*70) in the PYCR1 gene. While this is not anticipated to result in nonsense mediated decay, it is expected to disrupt the last 96 amino acid(s) of the PYCR1 protein. This variant is present in population databases (no rsID available, gnomAD 0.0009%). This variant has not been reported in the literature in individuals affected with PYCR1-related conditions. This variant disrupts a region of the PYCR1 protein in which other variant(s) (p.Arg266Gln) have been determined to be pathogenic (PMID: 19576563, 19648921). This suggests that this is a clinically significant region of the protein, and that variants that disrupt it are likely to be disease-causing. For these reasons, this variant has been classified as Pathogenic.

Literature cited by the submitters: PubMed 19576563; PubMed 19648921.

NM_006907.4(PYCR1):c.663_670dup (p.Pro224fs)

Gene: PYCR1 (pyrroline-5-carboxylate reductase 1; minus strand). Cytogenetic location: 17q25.3.
Variant type: Duplication.
Coding change: c.663_670dup on transcript NM_006907.4 (MANE Select); coding-DNA positions 663 to 670, 8 bases duplicated (ACAGCACC; older notation c.663_670dupACAGCACC).
Protein change: p.Pro224fs; shifts the reading frame from proline 224.
Molecular consequence: frameshift variant. On other transcripts: intron variant (1).
Genome position (GRCh38, 1-based): chr17:81,934,453-81,934,460, GGTGCTGT duplicated on the plus strand (ACAGCACC on the coding strand, the reverse complement: PYCR1 is on the minus strand). VCF-style (leftmost placement, unchanged base first): chr17-81934452-G-GGGTGCTGT. GRCh37 (hg19) VCF-style: chr17-79892328-G-GGGTGCTGT.
Other names: c.570_577dup, p.Pro193fs (NM_001282279.2); c.663_670dup, p.Pro224fs (NM_001282280.2, NM_153824.3); c.744_751dup, p.Pro251fs (NM_001282281.2); c.633+193_633+200dup (NM_001330523.2); short protein forms P224fs, P193fs, P251fs.
Identifiers: ClinVar variation 4764024 (VCV004764024.1).